The following is an entry in ClinVar:

NM_006446.5(SLCO1B1):c.1865+1G>A

Gene: SLCO1B1 (solute carrier organic anion transporter family member 1B1; plus strand). Cytogenetic location: 12p12.1.
Variant type: single nucleotide variant.
Coding change: c.1865+1G>A on transcript NM_006446.5 (MANE Select); the canonical splice donor site of the intron after coding-DNA position 1865, G replaced by A.
Molecular consequence: splice donor variant.
Genome position (GRCh38, 1-based): chr12:21,224,840, G>A. VCF-style: chr12-21224840-G-A. GRCh37 (hg19) VCF-style: chr12-21377774-G-A.
Identifiers: ClinVar variation 2572603 (VCV002572603.7), dbSNP rs200994482, ClinGen allele CA6477191.
Genomic context (GRCh38, chr12:21,224,840, plus strand): 5'-GTCCACCAACAACTGTGGCACACGTGGGTCATGTAGGACATATAATTCCACATCATTTTC[G>A]TAAGTTGTCATAAATATATTTCATTATTTTTTCTTTGACTATATTAATTCCTAAAAAATA-3'

ClinVar aggregate classification (germline): Conflicting classifications of pathogenicity. Review status: criteria provided, conflicting classifications (1 of 4 stars). 3 submissions from 3 submitters: Likely pathogenic (1); Uncertain significance (1). 1 of the submissions does not count toward it. Last evaluated 2023-12-22.

Conditions:
Rotor syndrome (HBLRR). Also called: HYPERBILIRUBINEMIA, ROTOR TYPE, DIGENIC; HYPERBILIRUBINEMIA, ROTOR TYPE. Identifiers: Orphanet 3111, MedGen C0220991, MONDO:0009379, OMIM 237450.

Allele frequency attached by ClinVar (database versions not stated): ESP Exome Variant Server 0.00008; 1000 Genomes Project 30x 0.00094; 1000 Genomes Project 0.00120.
gnomAD v4.1: 197 of 1,516,654 alleles (0.013%); highest among the groups gnomAD compares: East Asian, 0.16%; no homozygotes.

Submissions (4):

ARUP Laboratories, Molecular Genetics and Genomics, ARUP Laboratories
Classification: Likely pathogenic for Rotor syndrome. Last evaluated: 2023-12-22. Review status: criteria provided, single submitter. Criteria: ARUP Molecular Germline Variant Investigation Process 2024. Collection method: clinical testing. Allele origin: germline.
Comment: The SLCO1B1 c.1865+1G>A variant (rs200994482), to our knowledge, is not reported in patients with hematologic disease in the medical literature or gene specific databases. This variant is found predominantly in the East Asian population with an allele frequency of 0.3% (57/19,496 alleles) in the Genome Aggregation Database (v2.1.1). This variant disrupts the canonical splice donor site of intron 14, which is likely to negatively impact gene function. Based on available information, this variant is considered to be likely pathogenic.

Juno Genomics, Hangzhou Juno Genomics, Inc
Classification: Uncertain significance for Rotor syndrome. Review status: criteria provided, single submitter. Criteria: ACMG Guidelines, 2015. Collection method: clinical testing. Allele origin: germline.
Comment: Null variant in a gene where loss of function (LOF) is a known mechanism of disease.;Absent from controls (or at extremely low frequency if recessive) in Genome Aggregation Database.

Gene Friend Way, National Innovation Center
Classification: Likely risk allele. Last evaluated: 2023-07-28. Review status: no assertion criteria provided. Collection method: clinical testing. Allele origin: unknown. Affected: no. Observed: 1 variant allele. Not counted in ClinVar's aggregate classification.
Comment: Splice_donor_variant. SLCO1B1 encodes a liver-specific member of the organic anion transporter family and involved in the pharmacokinetics of many drug compounds. Polymorphisms in the gene encoding this protein are associated with impaired transporter function (PMID: 35176049). Mutations in SLCO1B1 related to Rotor syndrome (PMID: 36964102). Several variants of SLCO1B1 were observed in patients with psychotic disorder (PMID: 36779498).

Dr. Peter K. Rogan Lab, Western University
No classification provided (evidence only). Condition: Hepatocellular carcinoma. Review status: no classification provided. Collection method: in vitro. Allele origin: not applicable. Functional consequence: skipped exon, retained intron. Not counted in ClinVar's aggregate classification.